The following is an entry in ClinVar:

ClinVar aggregate classification (germline): Uncertain significance (1 of 4 stars; one submission).

Conditions:
Retinitis pigmentosa 25 (RP25). Identifiers: Orphanet 791, MedGen C1864446, MONDO:0011272, OMIM 602772.

Submission:

Myriad Genetics, Inc.
Classification: Uncertain significance for Retinitis pigmentosa 25. Last evaluated: 2026-04-27. Review status: criteria provided, single submitter. Criteria: Myriad Autosomal Dominant, Autosomal Recessive and X-Linked Classification Criteria (2023). Collection method: clinical testing. Allele origin: unknown.
Comment: NM_001142800.1(EYS):c.739_741delCCA(P247del) is an in-frame deletion classified as a variant of uncertain significance in the context of retinitis pigmentosa, EYS-related. P247del has not been observed in cases with relevant disease. Relevant functional assessments of this variant are not available in the literature. P247del has not been observed in referenced population frequency databases. In summary, there is insufficient evidence to classify NM_001142800.1(EYS):c.739_741delCCA(P247del) as pathogenic or benign. Please note: this variant was assessed in the context of healthy population screening.

NM_001142800.2(EYS):c.736CCA[1] (p.Pro247del)

Gene: EYS (EGF-like photoreceptor maintenance factor; minus strand). Cytogenetic location: 6q12.
Variant type: Microsatellite.
Coding change: c.736CCA[1] on transcript NM_001142800.2 (MANE Select); one copy of the 3-base unit CCA starting at c.736; the reference has two copies in a row; one copy, 3 bases deleted.
Protein change: p.Pro247del; deletes proline 247.
Molecular consequence: inframe deletion.
Genome position (GRCh38, 1-based): chr6:65,494,670-65,494,672, TGG deleted on the plus strand (CCA on the coding strand, the reverse complement: EYS is on the minus strand); deleting any 3 consecutive bases within chr6:65,494,670-65,494,675 gives the same sequence; the position shown is the placement nearest the transcript's 3' end. VCF-style (leftmost placement, unchanged base first): chr6-65494669-ATGG-A. GRCh37 (hg19) VCF-style: chr6-66204562-ATGG-A.
Other names: c.736CCA[1], p.Pro247del (NM_001142801.2, NM_001292009.2, NM_198283.2); short protein forms P247del.
Identifiers: ClinVar variation 5003703 (VCV005003703.1).